The following is an entry in ClinVar:

NM_001114753.3(ENG):c.1094A>G (p.Asp365Gly)

Gene: ENG (endoglin; minus strand). Cytogenetic location: 9q34.11.
Variant type: single nucleotide variant.
Coding change: c.1094A>G on transcript NM_001114753.3 (MANE Select); coding-DNA position 1094, A replaced by G.
Protein change: p.Asp365Gly; replaces aspartic acid 365 with glycine.
Molecular consequence: missense variant.
Genome position (GRCh38, 1-based): chr9:127,824,344, T>C on the plus strand (A>G on the coding strand, the complement: ENG is on the minus strand). VCF-style: chr9-127824344-T-C. GRCh37 (hg19) VCF-style: chr9-130586623-T-C.
Other names: c.1094A>G, p.Asp365Gly (NM_000118.4, NM_001406715.1); c.548A>G, p.Asp183Gly (NM_001278138.2); short protein forms D183G, D365G.
Identifiers: ClinVar variation 4614083 (VCV004614083.1).

ClinVar aggregate classification (germline): Uncertain significance (1 of 4 stars; one submission).

Conditions:
Cardiovascular phenotype. Identifiers: MedGen CN230736.

gnomAD v4.1: 2 of 1,613,802 alleles (0.00012%); highest among the groups gnomAD compares: Non-Finnish European, 0.00017%; no homozygotes.

Submission:

Ambry Genetics
Classification: Uncertain significance for Cardiovascular phenotype. Last evaluated: 2025-12-11. Review status: criteria provided, single submitter. Criteria: Ambry Variant Classification Scheme 2023. Collection method: clinical testing. Allele origin: germline.
Comment: The p.D365G variant (also known as c.1094A>G), located in coding exon 8 of the ENG gene, results from an A to G substitution at nucleotide position 1094. The aspartic acid at codon 365 is replaced by glycine, an amino acid with similar properties. This amino acid position is conserved. In addition, this alteration is predicted to be tolerated by in silico analysis. Based on the available evidence, the clinical significance of this variant remains unclear.